The following is an entry in ClinVar:

ClinVar aggregate classification (germline): Uncertain significance. Review status: criteria provided, multiple submitters, no conflicts (2 of 4 stars). 2 submissions from 2 submitters: Uncertain significance (2). Last evaluated 2025-12-08.

Allele frequency attached by ClinVar (database versions not stated): gnomAD 0.00001; gnomAD exomes 0.00003; TOPMed 0.00004.

Submissions (2):

Labcorp Genetics (formerly Invitae), Labcorp
Classification: Uncertain significance. Last evaluated: 2025-12-08. Review status: criteria provided, single submitter. Criteria: Invitae Variant Classification Sherloc (09022015). Collection method: clinical testing. Allele origin: germline.
Comment: This sequence change replaces proline, which is neutral and non-polar, with leucine, which is neutral and non-polar, at codon 42 of the CYC1 protein (p.Pro42Leu). This variant is not present in population databases (gnomAD no frequency). This variant has not been reported in the literature in individuals affected with CYC1-related conditions. ClinVar contains an entry for this variant (Variation ID: 1922200). An algorithm developed to predict the effect of missense changes on protein structure and function (PolyPhen-2) suggests that this variant is likely to be tolerated. In summary, the available evidence is currently insufficient to determine the role of this variant in disease. Therefore, it has been classified as a Variant of Uncertain Significance.

Ambry Genetics
Classification: Uncertain significance. Last evaluated: 2025-09-05. Review status: criteria provided, single submitter. Criteria: Ambry Variant Classification Scheme 2023. Collection method: clinical testing. Allele origin: germline.

NM_001916.5(CYC1):c.125C>T (p.Pro42Leu)

Gene: CYC1 (cytochrome c1; plus strand). Cytogenetic location: 8q24.3.
Variant type: single nucleotide variant.
Coding change: c.125C>T on transcript NM_001916.5 (MANE Select); coding-DNA position 125, C replaced by T.
Protein change: p.Pro42Leu; replaces proline 42 with leucine.
Molecular consequence: missense variant.
Genome position (GRCh38, 1-based): chr8:144,095,224, C>T. VCF-style: chr8-144095224-C-T. GRCh37 (hg19) VCF-style: chr8-145150127-C-T.
Other names: c.125C>T (NM_001916.3); short protein forms P42L.
Identifiers: ClinVar variation 1922200 (VCV001922200.8), dbSNP rs1262605886, ClinGen allele CA372518196.